The following is an entry in ClinVar:

ClinVar aggregate classification (germline): Uncertain significance (1 of 4 stars; one submission).

Submission:

Ambry Genetics
Classification: Uncertain significance. Last evaluated: 2022-06-15. Review status: criteria provided, single submitter. Criteria: Ambry Variant Classification Scheme 2023. Collection method: clinical testing. Allele origin: germline.
Comment: The p.Q128R variant (also known as c.383A>G), located in coding exon 5 of the FAM175A gene, results from an A to G substitution at nucleotide position 383. The glutamine at codon 128 is replaced by arginine, an amino acid with highly similar properties. This amino acid position is conserved. In addition, this alteration is predicted to be tolerated by in silico analysis. Since supporting evidence is limited at this time, the clinical significance of this alteration remains unclear.

NM_139076.3(ABRAXAS1):c.383A>G (p.Gln128Arg)

Gene: ABRAXAS1 (abraxas 1, BRCA1 A complex subunit; minus strand). Cytogenetic location: 4q21.23.
Variant type: single nucleotide variant.
Coding change: c.383A>G on transcript NM_139076.3 (MANE Select); coding-DNA position 383, A replaced by G.
Protein change: p.Gln128Arg; replaces glutamine 128 with arginine.
Molecular consequence: missense variant.
Genome position (GRCh38, 1-based): chr4:83,470,296, T>C on the plus strand (A>G on the coding strand, the complement: ABRAXAS1 is on the minus strand). VCF-style: chr4-83470296-T-C. GRCh37 (hg19) VCF-style: chr4-84391449-T-C.
Other names: c.56A>G, p.Gln19Arg (NM_001345962.2); short protein forms Q128R, Q19R.
Identifiers: ClinVar variation 1800127 (VCV001800127.2), dbSNP rs2529438112, ClinGen allele CA357259861.